The following is an entry in ClinVar:

ClinVar aggregate classification (germline): Uncertain significance (1 of 4 stars; one submission).

Submission:

Labcorp Genetics (formerly Invitae), Labcorp
Classification: Uncertain significance. Last evaluated: 2025-01-15. Review status: criteria provided, single submitter. Criteria: Invitae Variant Classification Sherloc (09022015). Collection method: clinical testing. Allele origin: germline.
Comment: This sequence change replaces phenylalanine, which is neutral and non-polar, with leucine, which is neutral and non-polar, at codon 994 of the CACNA1F protein (p.Phe994Leu). This variant is not present in population databases (gnomAD no frequency). This variant has not been reported in the literature in individuals affected with CACNA1F-related conditions. ClinVar contains an entry for this variant (Variation ID: 954449). Invitae Evidence Modeling of protein sequence and biophysical properties (such as structural, functional, and spatial information, amino acid conservation, physicochemical variation, residue mobility, and thermodynamic stability) indicates that this missense variant is not expected to disrupt CACNA1F protein function with a negative predictive value of 80%. In summary, the available evidence is currently insufficient to determine the role of this variant in disease. Therefore, it has been classified as a Variant of Uncertain Significance.

NM_001256789.3(CACNA1F):c.2949T>G (p.Phe983Leu)

Gene: CACNA1F (calcium voltage-gated channel subunit alpha1 F; minus strand). Cytogenetic location: Xp11.23.
Variant type: single nucleotide variant.
Coding change: c.2949T>G on transcript NM_001256789.3 (MANE Select); coding-DNA position 2949, T replaced by G.
Protein change: p.Phe983Leu; replaces phenylalanine 983 with leucine.
Molecular consequence: missense variant.
Genome position (GRCh38, 1-based): chrX:49,217,985, A>C on the plus strand (T>G on the coding strand, the complement: CACNA1F is on the minus strand). VCF-style: chrX-49217985-A-C. GRCh37 (hg19) VCF-style: chrX-49074444-A-C.
Other names: c.2787T>G, p.Phe929Leu (NM_001256790.3); c.2982T>G, p.Phe994Leu (NM_005183.4); short protein forms F983L, F994L, F929L.
Identifiers: ClinVar variation 954449 (VCV000954449.9), dbSNP rs2065735355, ClinGen allele CA412964508.
Genomic context (GRCh38, chrX:49,217,985, plus strand): 5'-GAACATAAATTGCAGAAGTGTGGTGACAATCATGATGTTTCCGATGGTCCGGATGGCCAC[A>C]AATACACACTGCACCACATGCTGCGGGCACCCAAGCATATGGCTACTGAACACTACAGGC-3'
Protein context (NP_001243718.1, residues 973-993): KGLKHVVQCV[Phe983Leu]VAIRTIGNIM